The following is an entry in ClinVar:

NM_133261.3(GIPC3):c.356_357del (p.Glu119fs)

Gene: GIPC3 (GIPC PDZ domain containing family member 3; plus strand). Cytogenetic location: 19p13.3.
Variant type: Microsatellite.
Coding change: c.356_357del on transcript NM_133261.3 (MANE Select); coding-DNA positions 356 to 357, 2 bases deleted (AG; older notation c.356_357delAG).
Protein change: p.Glu119fs; shifts the reading frame from glutamic acid 119.
Molecular consequence: frameshift variant.
Genome position (GRCh38, 1-based): chr19:3,586,625-3,586,626, AG deleted; deleting any 2 consecutive bases within chr19:3,586,623-3,586,626 gives the same sequence; the c. name uses the placement nearest the transcript's 3' end. VCF-style (leftmost placement, unchanged base first): chr19-3586622-CAG-C. GRCh37 (hg19) VCF-style: chr19-3586620-CAG-C.
Other names: c.356_357del, p.Glu119fs (NM_001411144.1); short protein forms E119fs.
Identifiers: ClinVar variation 4683138 (VCV004683138.2).

ClinVar aggregate classification (germline): Pathogenic (1 of 4 stars; one submission).

Conditions:
Monogenic hearing loss.

Submission:

Genetics Laboratory, Great Ormond Street Hospital NHS Foundation Trust, North Thames Genomic Laboratory Hub
Classification: Pathogenic for Monogenic hearing loss. Last evaluated: 2026-07-31. Review status: criteria provided, single submitter. Criteria: ACGS Best Practice Guidelines for Variant Classification in Rare Disease 2024 v1.2. Collection method: clinical testing. Allele origin: germline. Affected: yes.
Comment: PM2_moderate, PVS1_very-strong, PM3_supporting